The following is an entry in ClinVar:

NM_000057.4(BLM):c.1724C>T (p.Ala575Val)

Gene: BLM (BLM RecQ like helicase; plus strand). Cytogenetic location: 15q26.1.
Variant type: single nucleotide variant.
Coding change: c.1724C>T on transcript NM_000057.4 (MANE Select); coding-DNA position 1724, C replaced by T.
Protein change: p.Ala575Val; replaces alanine 575 with valine.
Molecular consequence: missense variant.
Genome position (GRCh38, 1-based): chr15:90,761,097, C>T. VCF-style: chr15-90761097-C-T. GRCh37 (hg19) VCF-style: chr15-91304327-C-T.
Other names: c.1724C>T, p.Ala575Val (NM_001287246.2, NM_001287247.2); c.599C>T, p.Ala200Val (NM_001287248.2); short protein forms A200V, A575V.
Identifiers: ClinVar variation 1483339 (VCV001483339.10), dbSNP rs774551420, ClinGen allele CA7738577.

ClinVar aggregate classification (germline): Uncertain significance. Review status: criteria provided, multiple submitters, no conflicts (2 of 4 stars). 2 submissions from 2 submitters: Uncertain significance (2). Last evaluated 2022-08-29.

Conditions:
Hereditary cancer-predisposing syndrome. Also called: Tumor predisposition; Hereditary Cancer Syndrome; Hereditary neoplastic syndrome; Neoplastic Syndromes, Hereditary. Identifiers: Orphanet 140162, MedGen C0027672, MeSH D009386, MONDO:0015356.
Bloom syndrome (BLM). Also called: Bloom-Torre-Machacek syndrome. Identifiers: Orphanet 125, MedGen C0005859, MONDO:0008876, OMIM 210900.

Allele frequency attached by ClinVar (database versions not stated): ExAC 0.00001; gnomAD 0.00001; gnomAD exomes 0.00001.
gnomAD v4.1: 1 of 1,549,624 alleles (0.000065%); highest among the groups gnomAD compares: Non-Finnish European, 0.000087%; no homozygotes.

Submissions (2):

Labcorp Genetics (formerly Invitae), Labcorp
Classification: Uncertain significance for Bloom syndrome. Last evaluated: 2022-08-29. Review status: criteria provided, single submitter. Criteria: Invitae Variant Classification Sherloc (09022015). Collection method: clinical testing. Allele origin: germline.
Comment: This variant has not been reported in the literature in individuals affected with BLM-related conditions. This sequence change replaces alanine, which is neutral and non-polar, with valine, which is neutral and non-polar, at codon 575 of the BLM protein (p.Ala575Val). This variant is present in population databases (rs774551420, gnomAD 0.001%). ClinVar contains an entry for this variant (Variation ID: 1483339). Algorithms developed to predict the effect of missense changes on protein structure and function output the following: SIFT: "Tolerated"; PolyPhen-2: "Benign"; Align-GVGD: "Class C0". The valine amino acid residue is found in multiple mammalian species, which suggests that this missense change does not adversely affect protein function. In summary, the available evidence is currently insufficient to determine the role of this variant in disease. Therefore, it has been classified as a Variant of Uncertain Significance.

Ambry Genetics
Classification: Uncertain significance for Hereditary cancer-predisposing syndrome. Last evaluated: 2022-01-08. Review status: criteria provided, single submitter. Criteria: Ambry Variant Classification Scheme 2023. Collection method: clinical testing. Allele origin: germline.
Comment: The p.A575V variant (also known as c.1724C>T), located in coding exon 6 of the BLM gene, results from a C to T substitution at nucleotide position 1724. The alanine at codon 575 is replaced by valine, an amino acid with similar properties. This amino acid position is conserved. In addition, this alteration is predicted to be tolerated by in silico analysis. Since supporting evidence is limited at this time, the clinical significance of this alteration remains unclear.